The following is an entry in ClinVar:

ClinVar aggregate classification (germline): Uncertain significance. Review status: criteria provided, multiple submitters, no conflicts (2 of 4 stars). 2 submissions from 2 submitters: Uncertain significance (2). Last evaluated 2025-08-14.

Conditions:
Nemaline myopathy 8 (NEM8). Also called: Nemaline myopathy 8, autosomal recessive. Identifiers: Orphanet 171430, MedGen C3809209, MONDO:0014138, OMIM 615348.
Inborn genetic diseases. Identifiers: MedGen C0950123, MeSH D030342.

Allele frequency attached by ClinVar (database versions not stated): ESP Exome Variant Server 0.00008; ExAC 0.00010; gnomAD 0.00011; TOPMed 0.00015; 1000 Genomes Project 30x 0.00016; 1000 Genomes Project 0.00020.
gnomAD v4.1: 50 of 1,612,846 alleles (0.0031%); highest among the groups gnomAD compares: East Asian, 0.06%; no homozygotes.

Submissions (2):

Ambry Genetics
Classification: Uncertain significance for Inborn genetic diseases. Last evaluated: 2025-08-14. Review status: criteria provided, single submitter. Criteria: Ambry Variant Classification Scheme 2023. Collection method: clinical testing. Allele origin: germline.

Labcorp Genetics (formerly Invitae), Labcorp
Classification: Uncertain significance for Nemaline myopathy 8. Last evaluated: 2024-10-13. Review status: criteria provided, single submitter. Criteria: Invitae Variant Classification Sherloc (09022015). Collection method: clinical testing. Allele origin: germline.
Comment: This sequence change replaces glutamic acid, which is acidic and polar, with glutamine, which is neutral and polar, at codon 546 of the KLHL40 protein (p.Glu546Gln). This variant is present in population databases (rs137937929, gnomAD 0.1%). This variant has not been reported in the literature in individuals affected with KLHL40-related conditions. ClinVar contains an entry for this variant (Variation ID: 644787). Invitae Evidence Modeling of protein sequence and biophysical properties (such as structural, functional, and spatial information, amino acid conservation, physicochemical variation, residue mobility, and thermodynamic stability) indicates that this missense variant is not expected to disrupt KLHL40 protein function with a negative predictive value of 80%. In summary, the available evidence is currently insufficient to determine the role of this variant in disease. Therefore, it has been classified as a Variant of Uncertain Significance.

NM_152393.4(KLHL40):c.1636G>C (p.Glu546Gln)

Gene: KLHL40 (kelch like family member 40; plus strand). Cytogenetic location: 3p22.1.
Variant type: single nucleotide variant.
Coding change: c.1636G>C on transcript NM_152393.4 (MANE Select); coding-DNA position 1636, G replaced by C.
Protein change: p.Glu546Gln; replaces glutamic acid 546 with glutamine.
Molecular consequence: missense variant.
Genome position (GRCh38, 1-based): chr3:42,690,887, G>C. VCF-style: chr3-42690887-G-C. GRCh37 (hg19) VCF-style: chr3-42732379-G-C.
Other names: c.1636G>C (NM_152393.2); short protein forms E546Q.
Identifiers: ClinVar variation 644787 (VCV000644787.7), dbSNP rs137937929, ClinGen allele CA2337040.
Genomic context (GRCh38, chr3:42,690,887, plus strand): 5'-TCCCAATGATGCACCTTCTCACACACCCCCAGGTGGGCACCCTTCGAGGCCTTCCCACAG[G>C]AGCGTAGCTCACTCAGCCTGGTCAGCCTGGTGGGTACCCTCTATGCCATTGGTGGCTTTG-3'
Protein context (NP_689606.2, residues 536-556): KWAPFEAFPQ[Glu546Gln]RSSLSLVSLV